The following is an entry in ClinVar:

NM_004281.4(BAG3):c.212G>T (p.Arg71Leu)

Gene: BAG3 (BAG cochaperone 3; plus strand). Cytogenetic location: 10q26.11.
Variant type: single nucleotide variant.
Coding change: c.212G>T on transcript NM_004281.4 (MANE Select); coding-DNA position 212, G replaced by T.
Protein change: p.Arg71Leu; replaces arginine 71 with leucine.
Molecular consequence: missense variant.
Genome position (GRCh38, 1-based): chr10:119,669,882, G>T. VCF-style: chr10-119669882-G-T. GRCh37 (hg19) VCF-style: chr10-121429394-G-T.
Other names: short protein forms R71L.
Identifiers: ClinVar variation 509096 (VCV000509096.21), dbSNP rs35434411, ClinGen allele CA5716267.

ClinVar aggregate classification (germline): Conflicting classifications of pathogenicity. Review status: criteria provided, conflicting classifications (1 of 4 stars). 6 submissions from 6 submitters: Uncertain significance (1); Likely benign (5). Last evaluated 2026-04-10.

Conditions:
Cardiovascular phenotype. Identifiers: MedGen CN230736.
Myofibrillar myopathy 6. Identifiers: Orphanet 199340, MedGen C2751831, MONDO:0013061, OMIM 612954.
Dilated cardiomyopathy 1HH (CMD1HH). Identifiers: Orphanet 154, MedGen C3151293, MONDO:0013479, OMIM 613881.

Allele frequency attached by ClinVar (database versions not stated): 1000 Genomes Project 30x 0.00016.

Submissions (6):

Women's Health and Genetics/Laboratory Corporation of America, LabCorp
Classification: Likely benign. Last evaluated: 2026-04-10. Review status: criteria provided, single submitter. Criteria: LabCorp Variant Classification Summary - May 2015. Collection method: clinical testing. Allele origin: germline.
Comment: Variant summary: BAG3 c.212G>T (p.Arg71Leu) results in a non-conservative amino acid change in the encoded protein sequence. Algorithms developed to predict the effect of missense changes on protein structure and function are either unavailable or do not agree on the potential impact of this missense change. The variant allele was found at a frequency of 0.00016 in 251300 control chromosomes. The observed variant frequency exceeds the estimated maximal expected allele frequency for disease-causing variants in BAG3. c.212G>T has been observed in at least one case with unexplained sudden death in infants and children (Santori_2016). These report(s) do not provide unequivocal conclusions about association of the variant with Myofibrillar myopathy 6. To our knowledge, no experimental evidence demonstrating an impact on protein function has been reported. The following publication have been ascertained in the context of this evaluation (PMID: 26272908). ClinVar contains an entry for this variant (Variation ID: 509096). Based on the evidence outlined above, the variant was classified as likely benign.

Labcorp Genetics (formerly Invitae), Labcorp
Classification: Likely benign for Dilated cardiomyopathy 1HH; Myofibrillar myopathy 6. Last evaluated: 2026-02-02. Review status: criteria provided, single submitter. Criteria: Invitae Variant Classification Sherloc (09022015). Collection method: clinical testing. Allele origin: germline.

Blueprint Genetics
Classification: Likely benign. Last evaluated: 2024-10-25. Review status: criteria provided, single submitter. Criteria: ACMG Guidelines, 2015. Collection method: clinical testing. Allele origin: germline.

Ambry Genetics
Classification: Uncertain significance for Cardiovascular phenotype. Last evaluated: 2024-09-09. Review status: criteria provided, single submitter. Criteria: Ambry Variant Classification Scheme 2023. Collection method: clinical testing. Allele origin: germline.
Comment: The p.R71L variant (also known as c.212G>T), located in coding exon 2 of the BAG3 gene, results from a G to T substitution at nucleotide position 212. The arginine at codon 71 is replaced by leucine, an amino acid with dissimilar properties. This variant was detected in a cardiomyopathy genetic testing cohort and a sudden unexplained death cohort; however, clinical details were limited, and additional cardiac variants were detected in both cases (Santori M et al. Arch. Dis. Child., 2015 Oct;100:952-6; van Lint FHM et al. Neth Heart J, 2019 Jun;27:304-309). This amino acid position is not well conserved in available vertebrate species. In addition, this alteration is predicted to be tolerated by in silico analysis. Since supporting evidence is limited at this time, the clinical significance of this alteration remains unclear.

Revvity Omics, Revvity
Classification: Likely benign. Last evaluated: 2023-08-31. Review status: criteria provided, single submitter. Criteria: ACMG Guidelines, 2015. Collection method: clinical testing. Allele origin: germline.

GeneDx
Classification: Likely benign. Last evaluated: 2021-05-24. Review status: criteria provided, single submitter. Criteria: GeneDx Variant Classification Process June 2021. Collection method: clinical testing. Allele origin: germline. Affected: yes.

Literature cited by the submitters: PubMed 26272908 (cited by Women's Health and Genetics/Laboratory Corporation of America, LabCorp and Ambry Genetics); PubMed 30012837 (cited by Ambry Genetics); PubMed 30847666 (cited by Ambry Genetics).